The following is an entry in ClinVar:

ClinVar aggregate classification (germline): Benign/Likely benign. Review status: criteria provided, multiple submitters, no conflicts (2 of 4 stars). 2 submissions from 2 submitters: Benign (1); Likely benign (1). Last evaluated 2025-11-24.

Conditions:
LAMA5-related disorder. Also called: LAMA5-related condition; LAMA5-Related Disorders.

Allele frequency attached by ClinVar (database versions not stated): gnomAD 0.00006 and 0.00017; TOPMed 0.00012; gnomAD exomes 0.00024 and 0.00043; ExAC 0.00049; 1000 Genomes Project 0.00140; 1000 Genomes Project 30x 0.00141.
gnomAD v4.1: 399 of 1,610,644 alleles (0.025%); highest among the groups gnomAD compares: South Asian, 0.33%; 7 homozygotes.

Submissions (2):

Labcorp Genetics (formerly Invitae), Labcorp
Classification: Benign. Last evaluated: 2025-11-24. Review status: criteria provided, single submitter. Criteria: Invitae Variant Classification Sherloc (09022015). Collection method: clinical testing. Allele origin: germline.

PreventionGenetics, part of Exact Sciences
Classification: Likely benign for LAMA5-related condition. Last evaluated: 2025-02-09. Review status: criteria provided, single submitter. Criteria: ACMG Guidelines, 2015. Collection method: clinical testing. Allele origin: germline.
Comment: This variant is classified as likely benign based on ACMG/AMP sequence variant interpretation guidelines (Richards et al. 2015 PMID: 25741868, with internal and published modifications).

NM_005560.6(LAMA5):c.9448G>A (p.Gly3150Ser)

Gene: LAMA5 (laminin subunit alpha 5; minus strand). Cytogenetic location: 20q13.33.
Variant type: single nucleotide variant.
Coding change: c.9448G>A on transcript NM_005560.6 (MANE Select); coding-DNA position 9448, G replaced by A.
Protein change: p.Gly3150Ser; replaces glycine 3150 with serine.
Molecular consequence: missense variant.
Genome position (GRCh38, 1-based): chr20:62,312,229, C>T on the plus strand (G>A on the coding strand, the complement: LAMA5 is on the minus strand). VCF-style: chr20-62312229-C-T. GRCh37 (hg19) VCF-style: chr20-60887285-C-T.
Other names: c.9448G>A (NM_005560.4); short protein forms G3150S.
Identifiers: ClinVar variation 1568037 (VCV001568037.9), dbSNP rs559318635, ClinGen allele CA9940235.